The following is an entry in ClinVar:

ClinVar aggregate classification (germline): Pathogenic. Review status: criteria provided, single submitter (1 of 4 stars). 3 submissions from 3 submitters: Pathogenic (1). 2 of the submissions do not count toward it. Last evaluated 2023-04-09.

Conditions:
von Willebrand disease type 2 (VWD2). Also called: VON WILLEBRAND DISEASE, TYPE 2A/IIE; VON WILLEBRAND DISEASE, TYPE 2CB; VON WILLEBRAND DISEASE, TYPE II; VWD, TYPE 2. Identifiers: Orphanet 166081, Orphanet 903, MedGen C1264040, MONDO:0013304, OMIM 613554.

Submissions (3):

Quest Diagnostics Nichols Institute San Juan Capistrano
Classification: Pathogenic. Last evaluated: 2023-04-09. Review status: criteria provided, single submitter. Criteria: Quest Diagnostics criteria. Collection method: clinical testing. Allele origin: unknown.
Comment: This missense variant has not been reported in large, multi-ethnic general populations. In the published literature, the variant has been reported in individuals with type 1, type 2A, and type 2M von Willebrand disease (PMID: 28536718 (2017), 26986123 (2016), 20303469 (2010), 16985174 (2007)). It also segregated with disease in family studies (PMID: 10792299 (2000)). Additionally, a functional study indicated this variant had deleterious effects on VWF storage, protein processing, and secretion in vivo (PMID: 22207689 (2012)). Based on the available information, this variant is classified as pathogenic.

Angelo Bianchi Bonomi Hemophilia and Thrombosis Center, Fondazione IRCCS Ca Granda Ospedale Maggiore Policlinico
Classification: Uncertain significance for von Willebrand disease type 2. Last evaluated: 2022-04-26. Review status: no assertion criteria provided. Collection method: clinical testing. Allele origin: germline. Affected: yes. Not counted in ClinVar's aggregate classification.

Academic Unit of Haematology, University of Sheffield
No classification provided. Review status: no classification provided. Collection method: not provided. Allele origin: not provided. Not counted in ClinVar's aggregate classification.

Literature cited by the submitters: PubMed 28536718 (cited by Quest Diagnostics Nichols Institute San Juan Capistrano); PubMed 26986123 (cited by Quest Diagnostics Nichols Institute San Juan Capistrano); PubMed 22207689 (cited by Quest Diagnostics Nichols Institute San Juan Capistrano); PubMed 20303469 (cited by Quest Diagnostics Nichols Institute San Juan Capistrano); PubMed 16985174 (cited by Quest Diagnostics Nichols Institute San Juan Capistrano); PubMed 10792299 (cited by Quest Diagnostics Nichols Institute San Juan Capistrano); PubMed 8839833 (cited by Quest Diagnostics Nichols Institute San Juan Capistrano).

NM_000552.5(VWF):c.3389G>T (p.Cys1130Phe)

Gene: VWF (von Willebrand factor; minus strand). Cytogenetic location: 12p13.31.
Variant type: single nucleotide variant.
Coding change: c.3389G>T on transcript NM_000552.5 (MANE Select); coding-DNA position 3389, G replaced by T.
Protein change: p.Cys1130Phe; replaces cysteine 1130 with phenylalanine.
Molecular consequence: missense variant.
Genome position (GRCh38, 1-based): chr12:6,022,889, C>A on the plus strand (G>T on the coding strand, the complement: VWF is on the minus strand). VCF-style: chr12-6022889-C-A. GRCh37 (hg19) VCF-style: chr12-6132055-C-A.
Other names: c.3389G>T (NM_000552.4); short protein forms C1130F.
Identifiers: ClinVar variation 100261 (VCV000100261.3), dbSNP rs267607324, ClinGen allele CA228404.
Genomic context (GRCh38, chr12:6,022,889, plus strand): 5'-GCACAGCTGTTATAGCGCCACTCACACTCATACCCGTTCTCCCGGAGATTCCTCTCCTCG[C>A]AGCTCTGGGCTGTGTAGACAGGAGACAAGGCTGTGGCCACAACAGGCAAAGCCTCCAGGA-3'
Protein context (NP_000543.3, residues 1120-1140): WRTATLCPQS[Cys1130Phe]EERNLRENGY